The following is an entry in ClinVar:

ClinVar aggregate classification (germline): Likely pathogenic (1 of 4 stars; one submission).

Conditions:
Dilated cardiomyopathy 1G (CMD1G). Identifiers: Orphanet 154, MedGen C1858763, MONDO:0011400, OMIM 604145.
Autosomal recessive limb-girdle muscular dystrophy type 2J (LGMDR10). Also called: Limb-girdle muscular dystrophy, type 2J; MUSCULAR DYSTROPHY, LIMB-GIRDLE, AUTOSOMAL RECESSIVE 10. Identifiers: Orphanet 140922, MedGen C1837342, MONDO:0012127, OMIM 608807.

Submission:

Labcorp Genetics (formerly Invitae), Labcorp
Classification: Likely pathogenic for Dilated cardiomyopathy 1G; Autosomal recessive limb-girdle muscular dystrophy type 2J. Last evaluated: 2023-12-06. Review status: criteria provided, single submitter. Criteria: Invitae Variant Classification Sherloc (09022015). Collection method: clinical testing. Allele origin: germline.
Comment: This sequence change creates a premature translational stop signal (p.Lys34927*) in the TTN gene. While this is not anticipated to result in nonsense mediated decay, it is expected to create a truncated TTN protein. This variant is not present in population databases (gnomAD no frequency). This variant has not been reported in the literature in individuals affected with TTN-related conditions. ClinVar contains an entry for this variant (Variation ID: 2102023). This variant is located in the M band of TTN (PMID: 25589632). Truncating variants in this region have been previously reported in individuals affected with autosomal recessive myopathy and muscular dystrophy (PMID: 18948003, 23975875, 24395473). Truncating variants in this region have also been identified in individuals affected with autosomal dominant dilated cardiomyopathy and/or cardio-related conditions (PMID: 27869827, 32964742). In summary, the currently available evidence indicates that the variant is pathogenic, but additional data are needed to prove that conclusively. Therefore, this variant has been classified as Likely Pathogenic.

Literature cited by the submitters: PubMed 25589632; PubMed 18948003; PubMed 23975875; PubMed 24395473; PubMed 27869827; PubMed 32964742.

NM_001267550.2(TTN):c.104779A>T (p.Lys34927Ter)

Genes: TTN (titin; minus strand), TTN-AS1 (TTN antisense RNA 1; plus strand). Cytogenetic location: 2q31.2.
Variant type: single nucleotide variant.
Coding change: c.104779A>T on transcript NM_001267550.2 (MANE Select); coding-DNA position 104779, A replaced by T.
Protein change: p.Lys34927Ter; replaces lysine 34927 with a stop codon.
Molecular consequence: nonsense.
Genome position (GRCh38, 1-based): chr2:178,531,836, T>A on the plus strand (A>T on the coding strand, the complement: TTN is on the minus strand). VCF-style: chr2-178531836-T-A. GRCh37 (hg19) VCF-style: chr2-179396563-T-A.
Other names: c.99856A>T, p.Lys33286Ter (NM_001256850.1); c.77584A>T, p.Lys25862Ter (NM_003319.4); c.97075A>T, p.Lys32359Ter (NM_133378.4); c.77959A>T, p.Lys25987Ter (NM_133432.3); c.78160A>T, p.Lys26054Ter (NM_133437.4); short protein forms K33286*, K25862*, K26054*, K34927*, K25987*, K32359*.
Identifiers: ClinVar variation 2102023 (VCV002102023.4), dbSNP rs2468425141, ClinGen allele CA349410942.